The following is an entry in ClinVar:

ClinVar aggregate classification (germline): Likely pathogenic (1 of 4 stars; one submission).

Submission:

Labcorp Genetics (formerly Invitae), Labcorp
Classification: Likely pathogenic. Last evaluated: 2025-03-03. Review status: criteria provided, single submitter. Criteria: Invitae Variant Classification Sherloc (09022015). Collection method: clinical testing. Allele origin: germline.
Comment: This sequence change affects a donor splice site in intron 13 of the POLR3A gene. It is expected to disrupt RNA splicing. Variants that disrupt the donor or acceptor splice site typically lead to a loss of protein function (PMID: 16199547), and loss-of-function variants in POLR3A are known to be pathogenic (PMID: 21855841, 25339210, 27612211, 30414627, 30450527). This variant is not present in population databases (gnomAD no frequency). This variant has not been reported in the literature in individuals affected with POLR3A-related conditions. ClinVar contains an entry for this variant (Variation ID: 1348452). Algorithms developed to predict the effect of sequence changes on RNA splicing suggest that this variant may disrupt the consensus splice site. In summary, the currently available evidence indicates that the variant is pathogenic, but additional data are needed to prove that conclusively. Therefore, this variant has been classified as Likely Pathogenic.

Literature cited by the submitters: PubMed 16199547; PubMed 21855841; PubMed 25339210; PubMed 27612211; PubMed 30414627; PubMed 30450527.

NM_007055.4(POLR3A):c.1770+1G>A

Gene: POLR3A (RNA polymerase III subunit A; minus strand). Cytogenetic location: 10q22.3.
Variant type: single nucleotide variant.
Coding change: c.1770+1G>A on transcript NM_007055.4 (MANE Select); the canonical splice donor site of the intron after coding-DNA position 1770, G replaced by A.
Molecular consequence: splice donor variant.
Genome position (GRCh38, 1-based): chr10:78,009,863, C>T on the plus strand (G>A on the coding strand, the complement: POLR3A is on the minus strand). VCF-style: chr10-78009863-C-T. GRCh37 (hg19) VCF-style: chr10-79769621-C-T.
Identifiers: ClinVar variation 1348452 (VCV001348452.8), dbSNP rs777345393, ClinGen allele CA377340899.